The following is an entry in ClinVar:

ClinVar aggregate classification (germline): Uncertain significance (1 of 4 stars; one submission).

Allele frequency attached by ClinVar (database versions not stated): ExAC 0.00001; gnomAD 0.00001; TOPMed 0.00003.

Submission:

Labcorp Genetics (formerly Invitae), Labcorp
Classification: Uncertain significance. Last evaluated: 2023-06-17. Review status: criteria provided, single submitter. Criteria: Invitae Variant Classification Sherloc (09022015). Collection method: clinical testing. Allele origin: germline.
Comment: This sequence change replaces glutamic acid, which is acidic and polar, with lysine, which is basic and polar, at codon 167 of the POLD2 protein (p.Glu167Lys). This variant is present in population databases (rs56320764, gnomAD 0.003%). This variant has not been reported in the literature in individuals affected with POLD2-related conditions. Experimental studies and prediction algorithms are not available or were not evaluated, and the functional significance of this variant is currently unknown. In summary, the available evidence is currently insufficient to determine the role of this variant in disease. Therefore, it has been classified as a Variant of Uncertain Significance.

NM_006230.4(POLD2):c.394G>A (p.Glu132Lys)

Gene: POLD2 (DNA polymerase delta 2, accessory subunit; minus strand). Cytogenetic location: 7p13.
Variant type: single nucleotide variant.
Coding change: c.394G>A on transcript NM_006230.4 (MANE Select); coding-DNA position 394, G replaced by A.
Protein change: p.Glu132Lys; replaces glutamic acid 132 with lysine.
Molecular consequence: missense variant.
Genome position (GRCh38, 1-based): chr7:44,117,691, C>T on the plus strand (G>A on the coding strand, the complement: POLD2 is on the minus strand). VCF-style: chr7-44117691-C-T. GRCh37 (hg19) VCF-style: chr7-44157290-C-T.
Other names: c.394G>A, p.Glu132Lys (NM_001127218.3, NM_001256879.2); short protein forms E132K.
Identifiers: ClinVar variation 2876268 (VCV002876268.3), dbSNP rs56320764, ClinGen allele CA4238866.
Genomic context (GRCh38, chr7:44,117,691, plus strand): 5'-TTGACACGTCAATGGTGCCTTTTAGTTTGATACGCTGCAGTTCATCTTCCAAGACCAGCT[C>T]GTCATCTGGGTGTATGTATTTACTCCGAGGAGGCTGGGGGAGCAGGTTGTGCTGGAATGC-3'
Protein context (NP_006221.3, residues 122-142): PRSKYIHPDD[Glu132Lys]LVLEDELQRI